The following is an entry in ClinVar:

NM_001283009.2(RTEL1):c.2953C>A (p.Pro985Thr)

Genes: RTEL1 (regulator of telomere elongation helicase 1; plus strand), RTEL1-TNFRSF6B (RTEL1-TNFRSF6B readthrough (NMD candidate); plus strand). Cytogenetic location: 20q13.33.
Variant type: single nucleotide variant.
Coding change: c.2953C>A on transcript NM_001283009.2 (MANE Select); coding-DNA position 2953, C replaced by A.
Protein change: p.Pro985Thr; replaces proline 985 with threonine.
Molecular consequence: missense variant. On other transcripts: non-coding transcript variant (1).
Genome position (GRCh38, 1-based): chr20:63,693,244, C>A. VCF-style: chr20-63693244-C-A. GRCh37 (hg19) VCF-style: chr20-62324597-C-A.
Other names: c.2284C>A, p.Pro762Thr (NM_001283010.1); c.2953C>A, p.Pro985Thr (NM_016434.4); c.3025C>A, p.Pro1009Thr (NM_032957.5); short protein forms P985T, P1009T, P762T.
Identifiers: ClinVar variation 1449672 (VCV001449672.3), dbSNP rs772031890, ClinGen allele CA409683372.

ClinVar aggregate classification (germline): Uncertain significance (1 of 4 stars; one submission).

Conditions:
Pulmonary fibrosis and/or bone marrow failure, Telomere-related, 3. Also called: PULMONARY FIBROSIS AND/OR BONE MARROW FAILURE SYNDROME, TELOMERE-RELATED, 3. Identifiers: Orphanet 2032, MedGen C4225346, MONDO:0014613, OMIM 616373.
Dyskeratosis congenita, autosomal recessive 5 (DKCB5). Identifiers: MedGen C3554656, MONDO:0014076, OMIM 615190.

gnomAD v4.1: 3 of 1,612,006 alleles (0.00019%); highest among the groups gnomAD compares: South Asian, 0.0011%; no homozygotes.

Submission:

Labcorp Genetics (formerly Invitae), Labcorp
Classification: Uncertain significance for Dyskeratosis congenita, autosomal recessive 5; Pulmonary fibrosis and/or bone marrow failure, Telomere-related, 3. Last evaluated: 2022-04-04. Review status: criteria provided, single submitter. Criteria: Invitae Variant Classification Sherloc (09022015). Collection method: clinical testing. Allele origin: germline.
Comment: This sequence change replaces proline, which is neutral and non-polar, with threonine, which is neutral and polar, at codon 985 of the RTEL1 protein (p.Pro985Thr). This variant is not present in population databases (gnomAD no frequency). This variant has not been reported in the literature in individuals affected with RTEL1-related conditions. Algorithms developed to predict the effect of missense changes on protein structure and function (SIFT, PolyPhen-2, Align-GVGD) all suggest that this variant is likely to be tolerated. In summary, the available evidence is currently insufficient to determine the role of this variant in disease. Therefore, it has been classified as a Variant of Uncertain Significance.